The following is an entry in ClinVar:

ClinVar aggregate classification (germline): Uncertain significance. Review status: criteria provided, multiple submitters, no conflicts (2 of 4 stars). 2 submissions from 2 submitters: Uncertain significance (2). Last evaluated 2024-10-21.

Allele frequency attached by ClinVar (database versions not stated): gnomAD exomes 0.00001; TOPMed 0.00001; ExAC 0.00002; gnomAD 0.00005; 1000 Genomes Project 0.00020; 1000 Genomes Project 30x 0.00031.
gnomAD v4.1: 18 of 1,614,122 alleles (0.0011%); highest among the groups gnomAD compares: African/African-American, 0.0067%; no homozygotes.

Submissions (3):

Labcorp Genetics (formerly Invitae), Labcorp
Classification: Uncertain significance. Last evaluated: 2024-10-21. Review status: criteria provided, single submitter. Criteria: Invitae Variant Classification Sherloc (09022015). Collection method: clinical testing. Allele origin: germline.
Comment: This sequence change replaces alanine, which is neutral and non-polar, with valine, which is neutral and non-polar, at codon 734 of the ADGRE2 protein (p.Ala734Val). This variant is present in population databases (rs564713952, gnomAD 0.006%). This variant has not been reported in the literature in individuals affected with ADGRE2-related conditions. ClinVar contains an entry for this variant (Variation ID: 2421863). An algorithm developed to predict the effect of missense changes on protein structure and function (PolyPhen-2) suggests that this variant is likely to be disruptive. In summary, the available evidence is currently insufficient to determine the role of this variant in disease. Therefore, it has been classified as a Variant of Uncertain Significance.

Ambry Genetics
Classification: Uncertain significance. Last evaluated: 2023-08-08. Review status: criteria provided, single submitter. Criteria: Ambry Variant Classification Scheme 2023. Collection method: clinical testing. Allele origin: germline.

Dr. Peter K. Rogan Lab, Western University
No classification provided (evidence only). Condition: Gastric cancer. Review status: no classification provided. Collection method: in vitro. Allele origin: not applicable. Functional consequence: retained intron. Not counted in ClinVar's aggregate classification.

NM_013447.4(ADGRE2):c.2201C>T (p.Ala734Val)

Gene: ADGRE2 (adhesion G protein-coupled receptor E2; minus strand). Cytogenetic location: 19p13.12.
Variant type: single nucleotide variant.
Coding change: c.2201C>T on transcript NM_013447.4 (MANE Select); coding-DNA position 2201, C replaced by T.
Protein change: p.Ala734Val; replaces alanine 734 with valine.
Molecular consequence: missense variant.
Genome position (GRCh38, 1-based): chr19:14,743,767, G>A on the plus strand (C>T on the coding strand, the complement: ADGRE2 is on the minus strand). VCF-style: chr19-14743767-G-A. GRCh37 (hg19) VCF-style: chr19-14854579-G-A.
Other names: c.2201C>T (NM_013447.2); c.2027C>T, p.Ala676Val (NM_001271052.1); c.2054C>T, p.Ala685Val (NM_152916.2); c.1922C>T, p.Ala641Val (NM_152917.2); short protein forms A641V, A676V, A685V, A734V.
Identifiers: ClinVar variation 2421863 (VCV002421863.9), dbSNP rs564713952, ClinGen allele CA9257440.